The following is an entry in ClinVar:

NM_001042492.3(NF1):c.7063-7T>A

Gene: NF1 (neurofibromin 1; plus strand). Cytogenetic location: 17q11.2.
Variant type: single nucleotide variant.
Coding change: c.7063-7T>A on transcript NM_001042492.3 (MANE Select); 7 bases into the intron before coding-DNA position 7063, T replaced by A.
Molecular consequence: intron variant.
Genome position (GRCh38, 1-based): chr17:31,343,002, T>A. VCF-style: chr17-31343002-T-A. GRCh37 (hg19) VCF-style: chr17-29670020-T-A.
Other names: c.7000-7T>A (NM_000267.4).
Identifiers: ClinVar variation 2842034 (VCV002842034.5), dbSNP rs2508779254, ClinGen allele CA2739265554.

ClinVar aggregate classification (germline): Uncertain significance. Review status: criteria provided, single submitter (1 of 4 stars). 2 submissions from 2 submitters: Uncertain significance (1). 1 of the submissions does not count toward it. Last evaluated 2023-03-02.

Conditions:
NF1-related disorder. Also called: NF1-related condition. Identifiers: MedGen CN379171.
Neurofibromatosis, type 1 (NF1). Also called: Neurofibromatosis, type I; VON RECKLINGHAUSEN DISEASE; NEUROFIBROMATOSIS, TYPE I, SOMATIC; Peripheral type neurofibromatosis. Identifiers: Orphanet 636, MedGen C0027831, MONDO:0018975, OMIM 162200. Disease mechanism: loss of function.

Submissions (2):

Labcorp Genetics (formerly Invitae), Labcorp
Classification: Uncertain significance for Neurofibromatosis, type 1. Last evaluated: 2023-03-02. Review status: criteria provided, single submitter. Criteria: Invitae Variant Classification Sherloc (09022015). Collection method: clinical testing. Allele origin: germline.
Comment: In summary, the available evidence is currently insufficient to determine the role of this variant in disease. Therefore, it has been classified as a Variant of Uncertain Significance. Algorithms developed to predict the effect of sequence changes on RNA splicing suggest that this variant may create or strengthen a splice site. This variant has not been reported in the literature in individuals affected with NF1-related conditions. This variant is not present in population databases (gnomAD no frequency). This sequence change falls in intron 46 of the NF1 gene. It does not directly change the encoded amino acid sequence of the NF1 protein.

PreventionGenetics, part of Exact Sciences
Classification: Likely benign for NF1-related condition. Last evaluated: 2023-09-21. Review status: no assertion criteria provided. Collection method: clinical testing. Allele origin: germline. Not counted in ClinVar's aggregate classification.
Comment: This variant is classified as likely benign based on ACMG/AMP sequence variant interpretation guidelines (Richards et al. 2015 PMID: 25741868, with internal and published modifications).